The following is an entry in ClinVar:

NM_030653.4(DDX11):c.788G>A (p.Arg263Gln)

Gene: DDX11 (DEAD/H-box helicase 11; plus strand). Cytogenetic location: 12p11.21.
Variant type: single nucleotide variant.
Coding change: c.788G>A on transcript NM_030653.4 (MANE Select); coding-DNA position 788, G replaced by A.
Protein change: p.Arg263Gln; replaces arginine 263 with glutamine.
Molecular consequence: missense variant.
Genome position (GRCh38, 1-based): chr12:31,089,147, G>A. VCF-style: chr12-31089147-G-A. GRCh37 (hg19) VCF-style: chr12-31242081-G-A.
Other names: NC_000012.11:g.31242081G>A; c.788G>A, p.Arg263Gln (NM_001257144.2, NM_004399.3, NM_152438.2); c.710G>A, p.Arg237Gln (NM_001257145.2); short protein forms R263Q, R237Q.
Identifiers: ClinVar variation 39995 (VCV000039995.5), dbSNP rs201968272, ClinGen allele CA130693.

ClinVar aggregate classification (germline): Pathogenic/Likely pathogenic. Review status: criteria provided, multiple submitters, no conflicts (2 of 4 stars). 4 submissions from 4 submitters: Pathogenic (2); Likely pathogenic (1). 1 of the submissions does not count toward it. Last evaluated 2026-01-19.

Conditions:
Warsaw breakage syndrome (WABS). Also called: DDX11-Related Cohesinopathy. Identifiers: Orphanet 280558, MedGen C3150658, MONDO:0013252, OMIM 613398.

Allele frequency attached by ClinVar (database versions not stated): ExAC 0.00460.

Submissions (7):

Victorian Clinical Genetics Services, Murdoch Childrens Research Institute
Classification: Pathogenic for Warsaw breakage syndrome. Last evaluated: 2026-01-19. Review status: criteria provided, single submitter. Criteria: ACMG Guidelines, 2015. Collection method: clinical testing. Allele origin: germline. Affected: yes.
Comment: This variant is classified as Pathogenic. Evidence in support of pathogenic classification: Variant is absent from gnomAD (v2, v3 and v4); This variant has moderate previous evidence of pathogenicity in unrelated individuals. This variant has been classified as pathogenic and likely pathogenic by clinical laboratories in ClinVar. It has also been reported in the literature in three homozygous siblings with Warsaw breakage syndrome (PMID: 23033317); This variant has limited evidence for segregation with disease. This variant has been shown to segregate with Warsaw breakage syndrome in 3 homozygous siblings from one family (PMID: 23033317). - This variant has moderate functional evidence supporting abnormal protein function. Helicase activity, DNA binding and ATPase activity in cells expressing this variant have all been shown to be dramatically reduced (PMID: 23033317). Additionally, this variant has been shown to act on the function of the DDX11 FeS cluster, significantly reducing iron incorporation when compared to wild type protein (PMID: 32071282); Variant is located in the well-established functional FeS cluster-binding motif (PMIDs: 32071282). Additional information: Variant is predicted to result in a missense amino acid change from Arg to Gln; This variant is homozygous; This gene is associated with autosomal recessive disease; Alternative amino acid change(s) at the same position are present in gnomAD (highest allele count: v4: 3 heterozygote(s), 0 homozygote(s)); No comparable missense variants have previous evidence for pathogenicity; Missense variant with inconclusive in silico prediction and/or uninformative conservation; Loss of function is a known mechanism of disease in this gene and is associated with Warsaw breakage syndrome (MIM#613398).

Women's Health and Genetics/Laboratory Corporation of America, LabCorp
Classification: Pathogenic for Warsaw breakage syndrome. Last evaluated: 2025-09-05. Review status: criteria provided, single submitter. Criteria: LabCorp Variant Classification Summary - May 2015. Collection method: clinical testing. Allele origin: germline.
Comment: Variant summary: DDX11 c.788G>A (p.Arg263Gln) results in a conservative amino acid change located in the ATP-binding domain (IPR014013), affecting the iron-sulfur (FeS) cluster binding motif (Simon_2020) of the encoded protein sequence. Algorithms developed to predict the effect of missense changes on protein structure and function are either unavailable or do not agree on the potential impact of this missense change. The frequency data for this variant in gnomAD is considered unreliable, as metrics indicate poor data quality at this position. c.788G>A has been observed in homozygous state in 3 siblings affected with Warsaw Breakage Syndrome (Capo-Chichi_2013). These data indicate that the variant is very likely to be associated with disease. Publications reported experimental evidence evaluating an impact on protein function, and demonstrated that the variant decreases FeS cluster binding, and impairs the helicase activity by perturbing both the DNA binding and DNA-dependent ATPase activity (e.g. Capo-Chichi_2013, Sun_2015, Simon_2020). The following publications have been ascertained in the context of this evaluation (PMID: 23033317, 26089203, 32071282). ClinVar contains an entry for this variant (Variation ID: 39995). Based on the evidence outlined above, the variant was classified as pathogenic.

Fulgent Genetics
Classification: Likely pathogenic for Warsaw breakage syndrome. Last evaluated: 2024-03-15. Review status: criteria provided, single submitter. Criteria: ACMG Guidelines, 2015. Collection method: clinical testing. Allele origin: germline.

OMIM
Classification: Pathogenic for WARSAW BREAKAGE SYNDROME. Last evaluated: 2013-01-01. Review status: no assertion criteria provided. Collection method: literature only. Allele origin: germline. Not counted in ClinVar's aggregate classification.

Dr. Peter K. Rogan Lab, Western University
No classification provided (evidence only). Condition: Cervical cancer. Review status: no classification provided. Collection method: in vitro. Allele origin: not applicable. Functional consequence: retained intron. Not counted in ClinVar's aggregate classification.

Dr. Peter K. Rogan Lab, Western University
No classification provided (evidence only). Condition: Sarcoma. Review status: no classification provided. Collection method: in vitro. Allele origin: not applicable. Functional consequence: retained intron. Not counted in ClinVar's aggregate classification.

Dr. Peter K. Rogan Lab, Western University
No classification provided (evidence only). Condition: Glioma susceptibility 1. Review status: no classification provided. Collection method: in vitro. Allele origin: not applicable. Functional consequence: retained intron. Not counted in ClinVar's aggregate classification.

Literature cited by the submitters: PubMed 32071282 (cited by Victorian Clinical Genetics Services, Murdoch Childrens Research Institute and Women's Health and Genetics/Laboratory Corporation of America, LabCorp); PubMed 23033317 (cited by 3 submitters); PubMed 26089203 (cited by Women's Health and Genetics/Laboratory Corporation of America, LabCorp and OMIM).